The following is an entry in ClinVar:

NM_004456.5(EZH2):c.260G>A (p.Ser87Asn)

Gene: EZH2 (enhancer of zeste 2 polycomb repressive complex 2 subunit; minus strand). Cytogenetic location: 7q36.1.
Variant type: single nucleotide variant.
Coding change: c.260G>A on transcript NM_004456.5 (MANE Select); coding-DNA position 260, G replaced by A.
Protein change: p.Ser87Asn; replaces serine 87 with asparagine.
Molecular consequence: missense variant. On other transcripts: intron variant (1).
Genome position (GRCh38, 1-based): chr7:148,832,737, C>T on the plus strand (G>A on the coding strand, the complement: EZH2 is on the minus strand). VCF-style: chr7-148832737-C-T. GRCh37 (hg19) VCF-style: chr7-148529829-C-T.
Other names: c.260G>A, p.Ser87Asn (NM_001203247.2); c.233G>A, p.Ser78Asn (NM_001203248.2, NM_001203249.2); c.247-2889G>A (NM_152998.3); short protein forms S78N, S87N.
Identifiers: ClinVar variation 4975673 (VCV004975673.1).
Genomic context (GRCh38, chr7:148,832,737, plus strand): 5'-ACTGAAGCAACTGCATTCAGAGTCTTTAATGGGATGACTTGTGTTGGAAAATCCAAGTCA[C>T]TGGTCACCGAACACTAAAACAGAAAAAATAAAATTGACTCTTAAGAATAAAAGGACAACC-3'
Protein context (NP_004447.2, residues 77-97): LRGTRECSVT[Ser87Asn]DLDFPTQVIP

ClinVar aggregate classification (germline): Likely pathogenic (1 of 4 stars; one submission).

Submission:

GeneDx
Classification: Likely pathogenic. Last evaluated: 2026-03-21. Review status: criteria provided, single submitter. Criteria: GeneDx Variant Classification Process June 2021. Collection method: clinical testing. Allele origin: germline.
Comment: Not observed at significant frequency in large population cohorts (gnomAD); In silico analysis suggests that this missense variant does not alter protein structure/function; Has not been previously published as pathogenic or benign to our knowledge